The following is an entry in ClinVar:

NM_000179.3(MSH6):c.2009G>C (p.Gly670Ala)

Gene: MSH6 (mutS homolog 6; plus strand). Cytogenetic location: 2p16.3.
Variant type: single nucleotide variant.
Coding change: c.2009G>C on transcript NM_000179.3 (MANE Select); coding-DNA position 2009, G replaced by C.
Protein change: p.Gly670Ala; replaces glycine 670 with alanine.
Molecular consequence: missense variant.
Genome position (GRCh38, 1-based): chr2:47,799,992, G>C. VCF-style: chr2-47799992-G-C. GRCh37 (hg19) VCF-style: chr2-48027131-G-C.
Other names: c.1619G>C, p.Gly540Ala (NM_001281492.2); c.1103G>C, p.Gly368Ala (NM_001281493.2, NM_001281494.2); short protein forms G540A, G670A, G368A.
Identifiers: ClinVar variation 1434203 (VCV001434203.8), dbSNP rs2104382452, ClinGen allele CA346750680.
Genomic context (GRCh38, chr2:47,799,992, plus strand): 5'-GCATTGGGGTGATGTTACCCCAGGTGCTTAAAGGTATGACTTCAGAGTCTGATTCCATTG[G>C]GTTGACACCAGGAGAGAAAAGTGAATTGGCCCTCTCTGCTCTAGGTGGTTGTGTCTTCTA-3'
Protein context (NP_000170.1, residues 660-680): KGMTSESDSI[Gly670Ala]LTPGEKSELA

ClinVar aggregate classification (germline): Uncertain significance (1 of 4 stars; one submission).

Conditions:
Hereditary nonpolyposis colorectal neoplasms. Identifiers: MedGen C0009405, MeSH D003123.

Submission:

Labcorp Genetics (formerly Invitae), Labcorp
Classification: Uncertain significance for Hereditary nonpolyposis colorectal neoplasms. Last evaluated: 2021-03-02. Review status: criteria provided, single submitter. Criteria: Invitae Variant Classification Sherloc (09022015). Collection method: clinical testing. Allele origin: germline.
Comment: In summary, the available evidence is currently insufficient to determine the role of this variant in disease. Therefore, it has been classified as a Variant of Uncertain Significance. Algorithms developed to predict the effect of missense changes on protein structure and function are either unavailable or do not agree on the potential impact of this missense change (SIFT: "Tolerated"; PolyPhen-2: "Probably Damaging"; Align-GVGD: "Class C0"). This variant has not been reported in the literature in individuals with MSH6-related conditions. This variant is not present in population databases (ExAC no frequency). This sequence change replaces glycine with alanine at codon 670 of the MSH6 protein (p.Gly670Ala). The glycine residue is highly conserved and there is a small physicochemical difference between glycine and alanine.